The following is an entry in ClinVar:

ClinVar aggregate classification (germline): Benign. Review status: criteria provided, multiple submitters, no conflicts (2 of 4 stars). 5 submissions from 5 submitters: Benign (4). 1 of the submissions does not count toward it. Last evaluated 2024-11-26.

Conditions:
SLC25A26-related disorder. Also called: SLC25A26-related condition.

Allele frequency attached by ClinVar (database versions not stated): 1000 Genomes Project 0.05731; 1000 Genomes Project 30x 0.05918; TOPMed 0.06111; ESP Exome Variant Server 0.06151; gnomAD 0.06192; ExAC 0.06803; gnomAD exomes 0.07380.
gnomAD v4.1: 116,771 of 1,608,356 alleles (7.3%); highest among the groups gnomAD compares: South Asian, 8.6%; 4,573 homozygotes.

Submissions (5):

Blueprint Genetics
Classification: Benign. Last evaluated: 2024-11-26. Review status: criteria provided, single submitter. Criteria: ACMG Guidelines, 2015. Collection method: clinical testing. Allele origin: germline.

Mayo Clinic Laboratories, Mayo Clinic
Classification: Benign. Last evaluated: 2022-10-27. Review status: criteria provided, single submitter. Criteria: ACMG Guidelines, 2015. Collection method: clinical testing. Allele origin: germline. Observed: 28 variant alleles.

GeneDx
Classification: Benign. Last evaluated: 2018-06-14. Review status: criteria provided, single submitter. Criteria: GeneDx Variant Classification (06012015). Collection method: clinical testing. Allele origin: germline. Affected: yes.
Comment: This variant is considered likely benign or benign based on one or more of the following criteria: it is a conservative change, it occurs at a poorly conserved position in the protein, it is predicted to be benign by multiple in silico algorithms, and/or has population frequency not consistent with disease.

Breakthrough Genomics
Classification: Benign. Review status: criteria provided, single submitter. Criteria: ACMG Guidelines, 2015. Collection method: not provided. Allele origin: germline. Inheritance: Autosomal recessive inheritance. Affected: yes.

PreventionGenetics, part of Exact Sciences
Classification: Benign for SLC25A26-related condition. Last evaluated: 2019-11-11. Review status: no assertion criteria provided. Collection method: clinical testing. Allele origin: germline. Not counted in ClinVar's aggregate classification.
Comment: This variant is classified as benign based on ACMG/AMP sequence variant interpretation guidelines (Richards et al. 2015 PMID: 25741868, with internal and published modifications).

NM_001379210.1(SLC25A26):c.252A>G (p.Ser84=)

Gene: SLC25A26 (solute carrier family 25 member 26; plus strand). Cytogenetic location: 3p14.1.
Variant type: single nucleotide variant.
Coding change: c.252A>G on transcript NM_001379210.1 (MANE Select); coding-DNA position 252, A replaced by G.
Protein change: p.Ser84=; no amino-acid change (serine 84 retained).
Molecular consequence: synonymous variant. On other transcripts: 5 prime UTR variant (2), non-coding transcript variant (1).
Genome position (GRCh38, 1-based): chr3:66,243,264, A>G. VCF-style: chr3-66243264-A-G. GRCh37 (hg19) VCF-style: chr3-66293688-A-G.
Other names: p.Ser84=; c.-13A>G (NM_001164796.1, NM_001350993.1); c.252A>G, p.Ser84= (NM_173471.4).
Identifiers: ClinVar variation 672596 (VCV000672596.6), dbSNP rs3772197, ClinGen allele CA2483638.